The following is an entry in ClinVar:

NM_017617.5(NOTCH1):c.2536C>T (p.Gln846Ter)

Gene: NOTCH1 (notch receptor 1; minus strand). Cytogenetic location: 9q34.3.
Variant type: single nucleotide variant.
Coding change: c.2536C>T on transcript NM_017617.5 (MANE Select); coding-DNA position 2536, C replaced by T.
Protein change: p.Gln846Ter; replaces glutamine 846 with a stop codon.
Molecular consequence: nonsense.
Genome position (GRCh38, 1-based): chr9:136,511,203, G>A on the plus strand (C>T on the coding strand, the complement: NOTCH1 is on the minus strand). VCF-style: chr9-136511203-G-A. GRCh37 (hg19) VCF-style: chr9-139405655-G-A.
Other names: short protein forms Q846*.
Identifiers: ClinVar variation 2631128 (VCV002631128.1), dbSNP rs1589063073, ClinGen allele CA375555381.

ClinVar aggregate classification (germline): Pathogenic (1 of 4 stars; one submission).

Conditions:
NOTCH1-related disorder. Also called: NOTCH1-related disorders; NOTCH1-related condition.

Submission:

PreventionGenetics, part of Exact Sciences
Classification: Pathogenic for NOTCH1-related condition. Last evaluated: 2023-08-22. Review status: criteria provided, single submitter. Criteria: ACMG Guidelines, 2015. Collection method: clinical testing. Allele origin: germline.
Comment: The NOTCH1 c.2536C>T variant is predicted to result in premature protein termination (p.Gln846*). To our knowledge, this variant has not been reported in the literature or in a large population database, indicating this variant is rare. Nonsense variants in NOTCH1 are expected to be pathogenic. This variant is interpreted as pathogenic.